The following is an entry in ClinVar:

NM_002691.4(POLD1):c.2162C>T (p.Thr721Met)

Gene: POLD1 (DNA polymerase delta 1, catalytic subunit; plus strand). Cytogenetic location: 19q13.33.
Variant type: single nucleotide variant.
Coding change: c.2162C>T on transcript NM_002691.4 (MANE Select); coding-DNA position 2162, C replaced by T.
Protein change: p.Thr721Met; replaces threonine 721 with methionine.
Molecular consequence: missense variant. On other transcripts: non-coding transcript variant (1).
Genome position (GRCh38, 1-based): chr19:50,413,433, C>T. VCF-style: chr19-50413433-C-T. GRCh37 (hg19) VCF-style: chr19-50916690-C-T.
Other names: c.2240C>T, p.Thr747Met (NM_001308632.1); c.2162C>T, p.Thr721Met (NM_001256849.1); short protein forms T721M, T747M.
Identifiers: ClinVar variation 2011347 (VCV002011347.4), dbSNP rs2514035305, ClinGen allele CA406983460.
Genomic context (GRCh38, chr19:50,413,433, plus strand): 5'-TTCACTGCACATGGCCCCCAGGGCTTCACTCCGCATGATTCTCTCCCCGACAGAGCGTCA[C>T]GGGGTTCGGACGTCAGATGATCGAGAAAACCAAGCAGCTGGTGGAGTCTAAGTACACAGT-3'
Protein context (NP_002682.2, residues 711-731): LPCLEISQSV[Thr721Met]GFGRQMIEKT

ClinVar aggregate classification (germline): Uncertain significance (1 of 4 stars; one submission).

Conditions:
POLD1-related polyposis and colorectal cancer syndrome (CRCS10). Also called: Colorectal cancer 10; COLORECTAL CANCER, SUSCEPTIBILITY TO, ON CHROMOSOME 19q; Colorectal cancer, susceptibility to, 10. Identifiers: Orphanet 220460, MedGen C2675481, MONDO:0012953, OMIM 612591.

Submission:

Labcorp Genetics (formerly Invitae), Labcorp
Classification: Uncertain significance for POLD1-related polyposis and colorectal cancer syndrome. Last evaluated: 2022-06-27. Review status: criteria provided, single submitter. Criteria: Invitae Variant Classification Sherloc (09022015). Collection method: clinical testing. Allele origin: germline.
Comment: This sequence change replaces threonine, which is neutral and polar, with methionine, which is neutral and non-polar, at codon 721 of the POLD1 protein (p.Thr721Met). In summary, the available evidence is currently insufficient to determine the role of this variant in disease. Therefore, it has been classified as a Variant of Uncertain Significance. Algorithms developed to predict the effect of missense changes on protein structure and function are either unavailable or do not agree on the potential impact of this missense change (SIFT: "Deleterious"; PolyPhen-2: "Probably Damaging"; Align-GVGD: "Class C0"). This variant has not been reported in the literature in individuals affected with POLD1-related conditions. This variant is not present in population databases (gnomAD no frequency).